The following is an entry in ClinVar:

NM_000474.4(TWIST1):c.325C>T (p.Gln109Ter)

Gene: TWIST1 (twist family bHLH transcription factor 1; minus strand). Cytogenetic location: 7p21.1.
Variant type: single nucleotide variant.
Coding change: c.325C>T on transcript NM_000474.4 (MANE Select); coding-DNA position 325, C replaced by T.
Protein change: p.Gln109Ter; replaces glutamine 109 with a stop codon.
Molecular consequence: nonsense. On other transcripts: non-coding transcript variant (1).
Genome position (GRCh38, 1-based): chr7:19,116,997, G>A on the plus strand (C>T on the coding strand, the complement: TWIST1 is on the minus strand). VCF-style: chr7-19116997-G-A. GRCh37 (hg19) VCF-style: chr7-19156620-G-A.
Other names: chr7:19156620G>A; short protein forms Q109*.
Identifiers: ClinVar variation 2920608 (VCV002920608.1), dbSNP rs2486049961, ClinGen allele CA367015679.

ClinVar aggregate classification (germline): Pathogenic (1 of 4 stars; one submission).

Conditions:
Robinow-Sorauf syndrome. Also called: ACROCEPHALOSYNDACTYLY, ROBINOW-SORAUF TYPE; CRANIOSYNOSTOSIS-BIFID HALLUX SYNDROME. Identifiers: MedGen C1867146, MONDO:0008391, OMIM 180750.
TWIST1-related craniosynostosis (CRS1). Also called: CRANIOSYNOSTOSIS 1. Identifiers: Orphanet 63440, MedGen C4551902, MONDO:0007399, OMIM 123100. Inheritance: Heterogenous inheritance pattern.
Saethre-Chotzen syndrome (SCS). Also called: ACROCEPHALY, SKULL ASYMMETRY, AND MILD SYNDACTYLY; ACS III; CHOTZEN SYNDROME. Identifiers: Orphanet 794, MedGen C0175699, MONDO:0007042, OMIM 101400.

Submission:

Laboratory of Functional Genomics, Research Centre for Medical Genetics
Classification: Pathogenic for Saethre-Chotzen syndrome; TWIST1-related craniosynostosis; Robinow-Sorauf syndrome. Review status: criteria provided, single submitter. Criteria: ACMG Guidelines, 2015. Collection method: clinical testing. Allele origin: de novo. Inheritance: Autosomal dominant inheritance. Affected: yes. Observed: 1 heterozygote.
Comment: Senger sequencing reaveled de novo origin of the variant. The variant is absent in population databases. LoF variants in this gene are known casuative mechanism of diseases. Thus, according to ACMG 2015 (PM2, PVS1, PS2) the variant should be classified as pathogenic.